The following is an entry in ClinVar:

ClinVar aggregate classification (germline): Likely pathogenic (1 of 4 stars; one submission).

Conditions:
Holoprosencephaly 3 (HPE3). Identifiers: Orphanet 2162, MedGen C1840529, MONDO:0007733, OMIM 142945.

Submission:

Labcorp Genetics (formerly Invitae), Labcorp
Classification: Likely pathogenic for Holoprosencephaly 3. Last evaluated: 2018-11-08. Review status: criteria provided, single submitter. Criteria: Invitae Variant Classification Sherloc (09022015). Collection method: clinical testing. Allele origin: germline.
Comment: This variant is not present in population databases (ExAC no frequency). In summary, the currently available evidence indicates that the variant is pathogenic, but additional data are needed to prove that conclusively. Therefore, this variant has been classified as Likely Pathogenic. Donor and acceptor splice site variants typically lead to a loss of protein function (PMID: 16199547), and loss-of-function variants in SHH are known to be pathogenic (PMID: 10556296, 19603532). Algorithms developed to predict the effect of sequence changes on RNA splicing suggest that this variant may disrupt the consensus splice site, but this prediction has not been confirmed by published transcriptional studies. This variant has not been reported in the literature in individuals with SHH-related disease. This sequence change affects a donor splice site in intron 1 of the SHH gene. It is expected to disrupt RNA splicing and likely results in an absent or disrupted protein product.

Literature cited by the submitters: PubMed 16199547; PubMed 10556296; PubMed 19603532.

NM_000193.4(SHH):c.300+2T>C

Gene: SHH (sonic hedgehog signaling molecule; minus strand). Cytogenetic location: 7q36.3.
Variant type: single nucleotide variant.
Coding change: c.300+2T>C on transcript NM_000193.4 (MANE Select); the canonical splice donor site of the intron after coding-DNA position 300, T replaced by C.
Molecular consequence: splice donor variant.
Genome position (GRCh38, 1-based): chr7:155,811,821, A>G on the plus strand (T>C on the coding strand, the complement: SHH is on the minus strand). VCF-style: chr7-155811821-A-G. GRCh37 (hg19) VCF-style: chr7-155604515-A-G.
Identifiers: ClinVar variation 651974 (VCV000651974.7), dbSNP rs1584805934, ClinGen allele CA370150899.